The following is an entry in ClinVar:

NM_014140.4(SMARCAL1):c.200A>C (p.His67Pro)

Gene: SMARCAL1 (SNF2 related chromatin remodeling annealing helicase 1; plus strand). Cytogenetic location: 2q35.
Variant type: single nucleotide variant.
Coding change: c.200A>C on transcript NM_014140.4 (MANE Select); coding-DNA position 200, A replaced by C.
Protein change: p.His67Pro; replaces histidine 67 with proline.
Molecular consequence: missense variant.
Genome position (GRCh38, 1-based): chr2:216,414,904, A>C. VCF-style: chr2-216414904-A-C. GRCh37 (hg19) VCF-style: chr2-217279627-A-C.
Other names: c.200A>C, p.His67Pro (NM_001127207.2); short protein forms H67P.
Identifiers: ClinVar variation 1490243 (VCV001490243.6), dbSNP rs765151021, ClinGen allele CA350496760.

ClinVar aggregate classification (germline): Uncertain significance (1 of 4 stars; one submission).

Conditions:
Schimke immuno-osseous dysplasia (SIOD). Also called: Schimke Immunoosseous Dysplasia. Identifiers: Orphanet 1830, MedGen C0877024, MONDO:0009458, OMIM 242900.

Submission:

Labcorp Genetics (formerly Invitae), Labcorp
Classification: Uncertain significance for Schimke immuno-osseous dysplasia. Last evaluated: 2021-09-17. Review status: criteria provided, single submitter. Criteria: Invitae Variant Classification Sherloc (09022015). Collection method: clinical testing. Allele origin: germline.
Comment: In summary, the available evidence is currently insufficient to determine the role of this variant in disease. Therefore, it has been classified as a Variant of Uncertain Significance. Algorithms developed to predict the effect of missense changes on protein structure and function are either unavailable or do not agree on the potential impact of this missense change (SIFT: "Tolerated"; PolyPhen-2: "Possibly Damaging"; Align-GVGD: "Class C0"). This variant has not been reported in the literature in individuals affected with SMARCAL1-related conditions. This variant is not present in population databases (ExAC no frequency). This sequence change replaces histidine with proline at codon 67 of the SMARCAL1 protein (p.His67Pro). The histidine residue is weakly conserved and there is a moderate physicochemical difference between histidine and proline.